The following is an entry in ClinVar:

NM_000090.4(COL3A1):c.976C>T (p.Arg326Ter)

Gene: COL3A1 (collagen type III alpha 1 chain; plus strand). Cytogenetic location: 2q32.2.
Variant type: single nucleotide variant.
Coding change: c.976C>T on transcript NM_000090.4 (MANE Select); coding-DNA position 976, C replaced by T.
Protein change: p.Arg326Ter; replaces arginine 326 with a stop codon.
Molecular consequence: nonsense.
Genome position (GRCh38, 1-based): chr2:188,992,208, C>T. VCF-style: chr2-188992208-C-T. GRCh37 (hg19) VCF-style: chr2-189856934-C-T.
Other names: NP_000081.1:p.Arg326*; p.R326*:CGA>TGA; short protein forms R326*.
Identifiers: ClinVar variation 101324 (VCV000101324.12), dbSNP rs587779607, ClinGen allele CA007729.

ClinVar aggregate classification (germline): Pathogenic. Review status: criteria provided, multiple submitters, no conflicts (2 of 4 stars). 3 submissions from 3 submitters: Pathogenic (2). 1 of the submissions does not count toward it. Last evaluated 2024-11-04.

Conditions:
Ehlers-Danlos syndrome, type 4 (EDSVASC). Also called: Ehlers-Danlos syndrome vascular type; Ehlers Danlos syndrome, ecchymotic type; Ehlers Danlos syndrome, arterial type; Ehlers Danlos syndrome, Sack-Barabas type; Ehlers-Danlos Syndrome Type IV. Identifiers: Orphanet 286, MedGen C0268338, MONDO:0017314, OMIM 130050.

gnomAD v4.1: 1 of 1,613,656 alleles (0.000062%); no homozygotes.

Submissions (3):

GeneDx
Classification: Pathogenic. Last evaluated: 2024-11-04. Review status: criteria provided, single submitter. Criteria: GeneDx Variant Classification Process June 2021. Collection method: clinical testing. Allele origin: germline. Affected: yes.
Comment: Identified in a patient belonging to a cohort of individuals with vascular Ehlers-Danlos syndrome in published literature (PMID: 24922459); Not observed at significant frequency in large population cohorts (gnomAD); Nonsense variant predicted to result in protein truncation or nonsense mediated decay in a gene for which loss of function is a known mechanism of disease; This variant is associated with the following publications: (PMID: 24922459)

Labcorp Genetics (formerly Invitae), Labcorp
Classification: Pathogenic for Ehlers-Danlos syndrome, type 4. Last evaluated: 2023-12-16. Review status: criteria provided, single submitter. Criteria: Invitae Variant Classification Sherloc (09022015). Collection method: clinical testing. Allele origin: germline.
Comment: This sequence change creates a premature translational stop signal (p.Arg326*) in the COL3A1 gene. It is expected to result in an absent or disrupted protein product. Loss-of-function variants in COL3A1 are known to be pathogenic (PMID: 24922459). This variant is not present in population databases (gnomAD no frequency). This premature translational stop signal has been observed in individual(s) with Ehlers-Danlos syndrome, type IV (PMID: 24922459). ClinVar contains an entry for this variant (Variation ID: 101324). For these reasons, this variant has been classified as Pathogenic.

Collagen Diagnostic Laboratory, University of Washington
Classification: Pathogenic for Ehlers-Danlos syndrome, type 4. Review status: no assertion criteria provided. Collection method: clinical testing. Allele origin: germline. Affected: yes. Not counted in ClinVar's aggregate classification.

Literature cited by the submitters: PubMed 24922459 (cited by Labcorp Genetics (formerly Invitae), Labcorp).